The following is an entry in ClinVar:

ClinVar aggregate classification (germline): Uncertain significance (1 of 4 stars; one submission).

Submission:

Labcorp Genetics (formerly Invitae), Labcorp
Classification: Uncertain significance. Last evaluated: 2025-11-25. Review status: criteria provided, single submitter. Criteria: Invitae Variant Classification Sherloc (09022015). Collection method: clinical testing. Allele origin: germline.
Comment: This sequence change replaces methionine, which is neutral and non-polar, with threonine, which is neutral and polar, at codon 38 of the UQCC3 protein (p.Met38Thr). This variant is present in population databases (rs376452919, gnomAD 0.08%), and has an allele count higher than expected for a pathogenic variant. This variant has not been reported in the literature in individuals affected with UQCC3-related conditions. ClinVar contains an entry for this variant (Variation ID: 3710442). An algorithm developed to predict the effect of missense changes on protein structure and function (PolyPhen-2) suggests that this variant is likely to be tolerated. In summary, the available evidence is currently insufficient to determine the role of this variant in disease. Therefore, it has been classified as a Variant of Uncertain Significance.

NM_001085372.3(UQCC3):c.113T>C (p.Met38Thr)

Genes: LBHD1 (LBH domain containing 1; minus strand), UQCC3 (ubiquinol-cytochrome c reductase complex assembly factor 3; plus strand). Cytogenetic location: 11q12.3.
Variant type: single nucleotide variant.
Coding change: c.113T>C on transcript NM_001085372.3 (MANE Select); coding-DNA position 113, T replaced by C.
Protein change: p.Met38Thr; replaces methionine 38 with threonine.
Molecular consequence: missense variant. On other transcripts: 5 prime UTR variant (12).
Genome position (GRCh38, 1-based): chr11:62,671,858, T>C. VCF-style: chr11-62671858-T-C. GRCh37 (hg19) VCF-style: chr11-62439330-T-C.
Other names: c.-305A>G (NM_001367940.2, NM_024099.5); c.-822A>G (NM_001367941.2); c.-111A>G (NM_001394596.1, NM_001394599.1, NM_001394601.1 and 1 more transcripts); c.-353A>G (NM_001394604.1, NM_001394607.1); c.-498A>G (NM_001394609.1); c.-429A>G (NM_001394611.1); c.-753A>G (NM_001394612.1); short protein forms M38T.
Identifiers: ClinVar variation 3710442 (VCV003710442.2).